The following is an entry in ClinVar:

NM_015474.4(SAMHD1):c.1163A>G (p.Asp388Gly)

Gene: SAMHD1 (SAM and HD domain containing deoxynucleoside triphosphate triphosphohydrolase 1; minus strand). Cytogenetic location: 20q11.23.
Variant type: single nucleotide variant.
Coding change: c.1163A>G on transcript NM_015474.4 (MANE Select); coding-DNA position 1163, A replaced by G.
Protein change: p.Asp388Gly; replaces aspartic acid 388 with glycine.
Molecular consequence: missense variant.
Genome position (GRCh38, 1-based): chr20:36,911,325, T>C on the plus strand (A>G on the coding strand, the complement: SAMHD1 is on the minus strand). VCF-style: chr20-36911325-T-C. GRCh37 (hg19) VCF-style: chr20-35539728-T-C.
Other names: c.1163A>G, p.Asp388Gly (NM_001363729.2, NM_001363733.2); short protein forms D388G.
Identifiers: ClinVar variation 2182023 (VCV002182023.4), dbSNP rs2515236305, ClinGen allele CA408843694.

ClinVar aggregate classification (germline): Uncertain significance (1 of 4 stars; one submission).

Conditions:
Aicardi-Goutieres syndrome 5. Identifiers: Orphanet 51, MedGen C2749659, MONDO:0013059, OMIM 612952.

Submission:

Labcorp Genetics (formerly Invitae), Labcorp
Classification: Uncertain significance for Aicardi-Goutieres syndrome 5. Last evaluated: 2022-04-14. Review status: criteria provided, single submitter. Criteria: Invitae Variant Classification Sherloc (09022015). Collection method: clinical testing. Allele origin: germline.
Comment: This variant is not present in population databases (gnomAD no frequency). This sequence change replaces aspartic acid, which is acidic and polar, with glycine, which is neutral and non-polar, at codon 388 of the SAMHD1 protein (p.Asp388Gly). This variant has not been reported in the literature in individuals affected with SAMHD1-related conditions. In summary, the available evidence is currently insufficient to determine the role of this variant in disease. Therefore, it has been classified as a Variant of Uncertain Significance. Algorithms developed to predict the effect of missense changes on protein structure and function are either unavailable or do not agree on the potential impact of this missense change (SIFT: "Deleterious"; PolyPhen-2: "Possibly Damaging"; Align-GVGD: "Class C0").